The following is an entry in ClinVar:

ClinVar aggregate classification (germline): Uncertain significance. Review status: criteria provided, multiple submitters, no conflicts (2 of 4 stars). 2 submissions from 2 submitters: Uncertain significance (2). Last evaluated 2023-12-05.

Conditions:
Inborn genetic diseases. Identifiers: MedGen C0950123, MeSH D030342.
Hereditary sensory and autonomic neuropathy type 7. Also called: HSAN VII; Neuropathy, hereditary sensory and autonomic, type VII. Identifiers: Orphanet 391397, MedGen C3809882, MONDO:0014244, OMIM 615548.
Familial episodic pain syndrome with predominantly lower limb involvement. Also called: Episodic pain syndrome, familial, 3. Identifiers: Orphanet 391384, Orphanet 391392, MedGen C3809899, MONDO:0014247, OMIM 615552.

Allele frequency attached by ClinVar (database versions not stated): gnomAD exomes below 0.00001; TOPMed below 0.00001; ExAC 0.00001.
gnomAD v4.1: 4 of 1,599,444 alleles (0.00025%); highest among the groups gnomAD compares: Non-Finnish European, 0.00034%; no homozygotes.

Submissions (2):

Labcorp Genetics (formerly Invitae), Labcorp
Classification: Uncertain significance for Familial episodic pain syndrome with predominantly lower limb involvement; Hereditary sensory and autonomic neuropathy type 7. Last evaluated: 2023-12-05. Review status: criteria provided, single submitter. Criteria: Invitae Variant Classification Sherloc (09022015). Collection method: clinical testing. Allele origin: germline.
Comment: This sequence change replaces glutamine, which is neutral and polar, with arginine, which is basic and polar, at codon 489 of the SCN11A protein (p.Gln489Arg). This variant is present in population databases (rs768568889, gnomAD 0.0009%). This variant has not been reported in the literature in individuals affected with SCN11A-related conditions. ClinVar contains an entry for this variant (Variation ID: 1371717). An algorithm developed to predict the effect of missense changes on protein structure and function (PolyPhen-2) suggests that this variant is likely to be tolerated. In summary, the available evidence is currently insufficient to determine the role of this variant in disease. Therefore, it has been classified as a Variant of Uncertain Significance.

Ambry Genetics
Classification: Uncertain significance for Inborn genetic diseases. Last evaluated: 2022-04-22. Review status: criteria provided, single submitter. Criteria: Ambry Variant Classification Scheme 2023. Collection method: clinical testing. Allele origin: germline.

NM_001349253.2(SCN11A):c.1466A>G (p.Gln489Arg)

Gene: SCN11A (sodium voltage-gated channel alpha subunit 11; minus strand). Cytogenetic location: 3p22.2.
Variant type: single nucleotide variant.
Coding change: c.1466A>G on transcript NM_001349253.2 (MANE Select); coding-DNA position 1466, A replaced by G.
Protein change: p.Gln489Arg; replaces glutamine 489 with arginine.
Molecular consequence: missense variant.
Genome position (GRCh38, 1-based): chr3:38,907,956, T>C on the plus strand (A>G on the coding strand, the complement: SCN11A is on the minus strand). VCF-style: chr3-38907956-T-C. GRCh37 (hg19) VCF-style: chr3-38949447-T-C.
Other names: c.1466A>G (NM_014139.2); c.1466A>G, p.Gln489Arg (NM_014139.3); short protein forms Q489R.
Identifiers: ClinVar variation 1371717 (VCV001371717.9), dbSNP rs768568889, ClinGen allele CA2322315.